The following is an entry in ClinVar:

ClinVar aggregate classification (germline): Pathogenic (1 of 4 stars; one submission).

Submission:

Labcorp Genetics (formerly Invitae), Labcorp
Classification: Pathogenic. Last evaluated: 2024-05-15. Review status: criteria provided, single submitter. Criteria: Invitae Variant Classification Sherloc (09022015). Collection method: clinical testing. Allele origin: germline.
Comment: This sequence change creates a premature translational stop signal (p.Gln650*) in the CAD gene. It is expected to result in an absent or disrupted protein product. Loss-of-function variants in CAD are known to be pathogenic (PMID: 28007989, 32117025, 32820246, 33497533). This variant is present in population databases (no rsID available, gnomAD 0.0009%). This variant has not been reported in the literature in individuals affected with CAD-related conditions. ClinVar contains an entry for this variant (Variation ID: 2002049). Algorithms developed to predict the effect of sequence changes on RNA splicing suggest that this variant may disrupt the consensus splice site. For these reasons, this variant has been classified as Pathogenic.

Literature cited by the submitters: PubMed 28007989; PubMed 32117025; PubMed 32820246; PubMed 33497533.

NM_004341.5(CAD):c.1948C>T (p.Gln650Ter)

Gene: CAD (carbamoyl-phosphate synthetase 2, aspartate transcarbamylase, and dihydroorotase; plus strand). Cytogenetic location: 2p23.3.
Variant type: single nucleotide variant.
Coding change: c.1948C>T on transcript NM_004341.5 (MANE Select); coding-DNA position 1948, C replaced by T.
Protein change: p.Gln650Ter; replaces glutamine 650 with a stop codon.
Molecular consequence: nonsense. On other transcripts: intron variant (1).
Genome position (GRCh38, 1-based): chr2:27,226,236, C>T. VCF-style: chr2-27226236-C-T. GRCh37 (hg19) VCF-style: chr2-27449104-C-T.
Other names: c.1843-289C>T (NM_001306079.2); short protein forms Q650*.
Identifiers: ClinVar variation 2002049 (VCV002002049.4), dbSNP rs1165169806, ClinGen allele CA346206898.
Genomic context (GRCh38, chr2:27,226,236, plus strand): 5'-GAGTCCATAGTGGTGGCCCCTAGCCAGACACTGAATGACAGGGAGTATCAGCTCCTGAGG[C>T]AGACAGCTATCAAGGTGACCCAGCACCTGGGAATTGTTGGGGAGTGCAATGTGCAGTATG-3'